The following is an entry in ClinVar:

ClinVar aggregate classification (germline): Likely pathogenic (1 of 4 stars; one submission).

Conditions:
Gaucher disease. Also called: Acute cerebral Gaucher disease; Cerebroside lipidosis syndrome; Gaucher splenomegaly; Sphingolipidosis 1; Glucocerebrosidosis; Glucosylceramidase deficiency. Identifiers: Orphanet 355, MedGen C0017205, MONDO:0018150.

gnomAD v4.1: 1 of 1,611,964 alleles (0.000062%); highest among the groups gnomAD compares: East Asian, 0.0022%; no homozygotes.

Submission:

Natera, Inc.
Classification: Likely pathogenic for Gaucher disease. Last evaluated: 2025-08-13. Review status: criteria provided, single submitter. Criteria: Natera Variant Classification Schema (03/2026). Collection method: clinical testing. Allele origin: germline.
Comment: The c.588+1G>A variant in GBA1 is a canonical splice donor site variant predicted to affect pre-mRNA splicing, which may result in an abnormal transcript and altered protein product. This variant is expected to result in nonsense mediated decay, truncation, or a dysfunctional protein product. This variant is rare in the general population with a frequency below the threshold expected for the associated phenotype(s). Given the available evidence, this variant is classified as Likely Pathogenic.

NM_000157.4(GBA1):c.588+1G>A

Genes: GBA1 (glucosylceramidase beta 1; minus strand), LOC106627981 (GBA recombination region; plus strand). Cytogenetic location: 1q22.
Variant type: single nucleotide variant.
Coding change: c.588+1G>A on transcript NM_000157.4 (MANE Select); the canonical splice donor site of the intron after coding-DNA position 588, G replaced by A.
Molecular consequence: splice donor variant.
Genome position (GRCh38, 1-based): chr1:155,238,516, C>T on the plus strand (G>A on the coding strand, the complement: GBA1 is on the minus strand). VCF-style: chr1-155238516-C-T. GRCh37 (hg19) VCF-style: chr1-155208307-C-T.
Other names: c.327+1G>A (NM_001171811.2); c.588+1G>A (NM_001005742.3, NM_001005741.3); c.441+1G>A (NM_001171812.2).
Identifiers: ClinVar variation 4817776 (VCV004817776.1).